The following is an entry in ClinVar:

NM_015104.3(ATG2A):c.1950C>T (p.Ala650=)

Gene: ATG2A (autophagy related 2A; minus strand). Cytogenetic location: 11q13.1.
Variant type: single nucleotide variant.
Coding change: c.1950C>T on transcript NM_015104.3 (MANE Select); coding-DNA position 1950, C replaced by T.
Protein change: p.Ala650=; no amino-acid change (alanine 650 retained).
Molecular consequence: synonymous variant.
Genome position (GRCh38, 1-based): chr11:64,909,838, G>A on the plus strand (C>T on the coding strand, the complement: ATG2A is on the minus strand). VCF-style: chr11-64909838-G-A. GRCh37 (hg19) VCF-style: chr11-64677310-G-A.
Other names: c.1950C>T, p.Ala650= (NM_001367971.1, NM_001367972.1).
Identifiers: ClinVar variation 2641940 (VCV002641940.24), dbSNP rs200244363, ClinGen allele CA6086013.

ClinVar aggregate classification (germline): Likely benign (1 of 4 stars; one submission).

Allele frequency attached by ClinVar (database versions not stated): ESP Exome Variant Server 0.00039; 1000 Genomes Project 0.00040; 1000 Genomes Project 30x 0.00047; ExAC 0.00054; gnomAD 0.00067; TOPMed 0.00092.
gnomAD v4.1: 737 of 1,610,564 alleles (0.046%); highest among the groups gnomAD compares: Admixed American, 0.21%; 2 homozygotes.

Submission:

CeGaT Center for Human Genetics Tuebingen
Classification: Likely benign. Last evaluated: 2023-03-01. Review status: criteria provided, single submitter. Criteria: CeGaT Center For Human Genetics Tuebingen Variant Classification Criteria Version 2. Collection method: clinical testing. Allele origin: germline. Affected: yes. Observed: 1 variant allele.
Comment: ATG2A: BP4, BP7